The following is an entry in ClinVar:

ClinVar aggregate classification (germline): Pathogenic (1 of 4 stars; one submission).

Submission:

Quest Diagnostics Nichols Institute San Juan Capistrano
Classification: Pathogenic. Last evaluated: 2025-04-22. Review status: criteria provided, single submitter. Criteria: ACMG/ClinGen CNV Guidelines, 2019. Collection method: clinical testing. Allele origin: unknown.
Comment: This duplication involves more than 250 protein-coding genes. Duplications contained within 2q33.3q37.3 have been identified in individuals with variable phenotypic presentation (Elbracht 2009, Fritz 1999, Hermsen 2005). Thus, based on current medical literature and gene content, this copy number variant (CNV) is classified as pathogenic. References: Elbracht et al., Am J Med Genet A. 2009 Nov;149A(11):2547-50. PMID: 19876899 Fritz et al., Am J Med Genet. 1999 Dec 3;87(4):297-301. PMID: 10588833 Hermsen et al., Eur J Med Genet. Jul-Sep 2005;48(3):310-8. PMID: 16179226

GRCh37/hg19 2q33.3-37.3(chr2:206965837-242783384)x3

Genes: AAMP (angio associated migratory cell protein; minus strand), ABCA12 (ATP binding cassette subfamily A member 12; minus strand), ABCB6 (ATP binding cassette subfamily B member 6 (LAN blood group); minus strand), ACADL (acyl-CoA dehydrogenase long chain; minus strand), ACKR3 (atypical chemokine receptor 3; plus strand) and 254 more. Cytogenetic location: 2q33.3-37.3.
Variant type: copy number gain.
Change: copy number 3 (three copies instead of two) of chr2:206,965,837-242,783,384 (35.82 Mb, GRCh37 coordinates, 1-based), cytogenetic band 2q33.3-37.3.
Identifiers: ClinVar variation 4682551 (VCV004682551.1).